The following is an entry in ClinVar:

ClinVar aggregate classification (germline): Likely pathogenic. Review status: criteria provided, multiple submitters, no conflicts (2 of 4 stars). 2 submissions from 2 submitters: Likely pathogenic (2). Last evaluated 2025-09-18.

Conditions:
Familial dysautonomia. Also called: FD; HSAN III. Identifiers: Orphanet 1764, MedGen C0013364, MONDO:0009131, OMIM 223900. Disease mechanism: loss of function.
Medulloblastoma (MDB). Also called: Medulloblastoma, somatic; MEDULLOBLASTOMA PREDISPOSITION SYNDROME. Identifiers: Orphanet 616, MedGen C0025149, MeSH D008527, MONDO:0007959, OMIM 155255, HP:0002885.

Submissions (2):

Natera, Inc.
Classification: Likely pathogenic for Familial dysautonomia. Last evaluated: 2025-09-18. Review status: criteria provided, single submitter. Criteria: Natera Variant Classification Schema (03/2026). Collection method: clinical testing. Allele origin: germline.
Comment: The c.1187dupG variant in ELP1 is a frameshift variant predicted to shift the reading frame beginning at codon 397 and leads to a stop codon 41 codons downstream. This variant is expected to result in nonsense mediated decay, truncation, or a dysfunctional protein product. This variant is rare in the general population with a frequency below the threshold expected for the associated phenotype(s). Given the available evidence, this variant is classified as Likely Pathogenic.

Fulgent Genetics
Classification: Likely pathogenic for Medulloblastoma; Familial dysautonomia. Last evaluated: 2024-03-12. Review status: criteria provided, single submitter. Criteria: ACMG Guidelines, 2015. Collection method: clinical testing. Allele origin: germline.

NM_003640.5(ELP1):c.1187dup (p.Asn397fs)

Gene: ELP1 (elongator acetyltransferase complex subunit 1; minus strand). Cytogenetic location: 9q31.3.
Variant type: Duplication.
Coding change: c.1187dup on transcript NM_003640.5 (MANE Select); coding-DNA position 1187, one base duplicated (G; older notation c.1187dupG).
Protein change: p.Asn397fs; shifts the reading frame from asparagine 397.
Molecular consequence: frameshift variant.
Genome position (GRCh38, 1-based): chr9:108,912,266, C duplicated on the plus strand (G on the coding strand, the reverse complement: ELP1 is on the minus strand); the first of 2 consecutive C bases (chr9:108,912,266-108,912,267); duplicating either gives the same sequence. VCF-style (leftmost placement, unchanged base first): chr9-108912265-T-TC. GRCh37 (hg19) VCF-style: chr9-111674545-T-TC.
Other names: c.1187dupG (NM_003640.4); c.845dup, p.Asn283fs (NM_001318360.2); c.140dup, p.Asn48fs (NM_001330749.2); short protein forms N397fs, N283fs, N48fs.
Identifiers: ClinVar variation 3596289 (VCV003596289.2).